The following is an entry in ClinVar:

ClinVar aggregate classification (germline): Uncertain significance. Review status: criteria provided, single submitter (1 of 4 stars). 3 submissions from 3 submitters: Uncertain significance (1). 2 of the submissions do not count toward it. Last evaluated 2024-12-23.

Conditions:
Giant axonal neuropathy 1 (GAN1). Also called: GIANT AXONAL NEUROPATHY 1, AUTOSOMAL RECESSIVE; GAN-Related Neurodegeneration. Identifiers: Orphanet 643, MedGen C1850386, MONDO:0009749, OMIM 256850.

Allele frequency attached by ClinVar (database versions not stated): TOPMed below 0.00001; gnomAD 0.00001; gnomAD exomes 0.00001; ExAC 0.00002.
gnomAD v4.1: 19 of 1,613,396 alleles (0.0012%); highest among the groups gnomAD compares: Non-Finnish European, 0.0016%; no homozygotes.

Submissions (3):

Labcorp Genetics (formerly Invitae), Labcorp
Classification: Uncertain significance for Giant axonal neuropathy 1. Last evaluated: 2024-12-23. Review status: criteria provided, single submitter. Criteria: Invitae Variant Classification Sherloc (09022015). Collection method: clinical testing. Allele origin: germline.
Comment: This sequence change replaces alanine, which is neutral and non-polar, with valine, which is neutral and non-polar, at codon 324 of the GAN protein (p.Ala324Val). This variant is present in population databases (rs778244338, gnomAD 0.002%). This missense change has been observed in individual(s) with giant axonal neuropathy (PMID: 23890932). ClinVar contains an entry for this variant (Variation ID: 637098). An algorithm developed to predict the effect of missense changes on protein structure and function (PolyPhen-2) suggests that this variant is likely to be tolerated. Algorithms developed to predict the effect of sequence changes on RNA splicing suggest that this variant may disrupt the consensus splice site. In summary, the available evidence is currently insufficient to determine the role of this variant in disease. Therefore, it has been classified as a Variant of Uncertain Significance.

Inherited Neuropathy Consortium Ii, University Of Miami
Classification: Uncertain significance for Giant axonal neuropathy 1. Last evaluated: 2016-01-06. Review status: no assertion criteria provided. Collection method: literature only. Allele origin: germline. Affected: yes. Not counted in ClinVar's aggregate classification.

Inherited Neuropathy Consortium
Classification: Uncertain significance for Giant axonal neuropathy. Review status: no assertion criteria provided. Collection method: literature only. Allele origin: germline. Affected: yes. Not counted in ClinVar's aggregate classification.

Literature cited by the submitters: PubMed 23890932 (cited by 3 submitters).

NM_022041.4(GAN):c.971C>T (p.Ala324Val)

Gene: GAN (gigaxonin; plus strand). Cytogenetic location: 16q23.2.
Variant type: single nucleotide variant.
Coding change: c.971C>T on transcript NM_022041.4 (MANE Select); coding-DNA position 971, C replaced by T.
Protein change: p.Ala324Val; replaces alanine 324 with valine.
Molecular consequence: missense variant.
Genome position (GRCh38, 1-based): chr16:81,357,929, C>T. VCF-style: chr16-81357929-C-T. GRCh37 (hg19) VCF-style: chr16-81391534-C-T.
Other names: c.332C>T, p.Ala111Val (NM_001377486.1); short protein forms A324V, A111V.
Identifiers: ClinVar variation 637098 (VCV000637098.4), dbSNP rs778244338, ClinGen allele CA8191546.